The following is an entry in ClinVar:

NM_000136.3(FANCC):c.242T>C (p.Leu81Ser)

Gene: FANCC (FA complementation group C; minus strand). Cytogenetic location: 9q22.32.
Variant type: single nucleotide variant.
Coding change: c.242T>C on transcript NM_000136.3 (MANE Select); coding-DNA position 242, T replaced by C.
Protein change: p.Leu81Ser; replaces leucine 81 with serine.
Molecular consequence: missense variant.
Genome position (GRCh38, 1-based): chr9:95,247,440, A>G on the plus strand (T>C on the coding strand, the complement: FANCC is on the minus strand). VCF-style: chr9-95247440-A-G. GRCh37 (hg19) VCF-style: chr9-98009722-A-G.
Other names: c.242T>C, p.Leu81Ser (NM_001243743.2, NM_001243744.2); short protein forms L81S.
Identifiers: ClinVar variation 3277637 (VCV003277637.1).

ClinVar aggregate classification (germline): Uncertain significance (1 of 4 stars; one submission).

Conditions:
Hereditary cancer-predisposing syndrome. Also called: Tumor predisposition; Hereditary Cancer Syndrome; Hereditary neoplastic syndrome; Neoplastic Syndromes, Hereditary. Identifiers: Orphanet 140162, MedGen C0027672, MeSH D009386, MONDO:0015356.

Submission:

Ambry Genetics
Classification: Uncertain significance for Hereditary cancer-predisposing syndrome. Last evaluated: 2024-05-09. Review status: criteria provided, single submitter. Criteria: Ambry Variant Classification Scheme 2023. Collection method: clinical testing. Allele origin: germline.
Comment: The p.L81S variant (also known as c.242T>C), located in coding exon 2 of the FANCC gene, results from a T to C substitution at nucleotide position 242. The leucine at codon 81 is replaced by serine, an amino acid with dissimilar properties. This amino acid position is conserved. In addition, the in silico prediction for this alteration is inconclusive. Based on the available evidence, the clinical significance of this variant remains unclear.